The following is an entry in ClinVar:

ClinVar aggregate classification (germline): Pathogenic (1 of 4 stars; one submission).

Conditions:
Intellectual developmental disorder with autism and macrocephaly. Also called: CHD8-Related Neurodevelopmental Disorder with Overgrowth; Autism, susceptibility to, 18. Identifiers: Orphanet 642675, MedGen C3554373, MONDO:0014017, OMIM 615032.

Submission:

Victorian Clinical Genetics Services, Murdoch Childrens Research Institute
Classification: Pathogenic for Intellectual developmental disorder with autism and macrocephaly. Last evaluated: 2025-01-20. Review status: criteria provided, single submitter. Criteria: ACMG Guidelines, 2015. Collection method: clinical testing. Allele origin: germline. Affected: yes.
Comment: This variant is classified as Pathogenic. Evidence in support of pathogenic classification: Variant is predicted to cause nonsense-mediated decay (NMD) and loss of protein (premature termination codon is located at least 54 nucleotides upstream of the final exon-exon junction); Variant is absent from gnomAD (v2, v3 and v4); Other NMD-predicted variant(s) comparable to the one identified in this case have very strong previous evidence for pathogenicity (ClinVar); Additional information: This variant is heterozygous; This gene is associated with autosomal dominant disease; This variant has no previous evidence of pathogenicity; No published segregation evidence has been identified for this variant; No published functional evidence has been identified for this variant; Loss of function is a known mechanism of disease in this gene and is associated with intellectual developmental disorder with autism and macrocephaly (MIM#615032).

NM_001170629.2(CHD8):c.5197C>T (p.Gln1733Ter)

Gene: CHD8 (chromodomain helicase DNA binding protein 8; minus strand). Cytogenetic location: 14q11.2.
Variant type: single nucleotide variant.
Coding change: c.5197C>T on transcript NM_001170629.2 (MANE Select); coding-DNA position 5197, C replaced by T.
Protein change: p.Gln1733Ter; replaces glutamine 1733 with a stop codon.
Molecular consequence: nonsense.
Genome position (GRCh38, 1-based): chr14:21,395,105, G>A on the plus strand (C>T on the coding strand, the complement: CHD8 is on the minus strand). VCF-style: chr14-21395105-G-A. GRCh37 (hg19) VCF-style: chr14-21863264-G-A.
Other names: c.4360C>T, p.Gln1454Ter (NM_020920.4); short protein forms Q1454*, Q1733*.
Identifiers: ClinVar variation 4531470 (VCV004531470.1).